The following is an entry in ClinVar:

NM_005070.4(SLC4A3):c.1946G>A (p.Arg649Gln)

Gene: SLC4A3 (solute carrier family 4 member 3; plus strand). Cytogenetic location: 2q35.
Variant type: single nucleotide variant.
Coding change: c.1946G>A on transcript NM_005070.4 (MANE Select); coding-DNA position 1946, G replaced by A.
Protein change: p.Arg649Gln; replaces arginine 649 with glutamine.
Molecular consequence: missense variant. On other transcripts: non-coding transcript variant (1).
Genome position (GRCh38, 1-based): chr2:219,635,470, G>A. VCF-style: chr2-219635470-G-A. GRCh37 (hg19) VCF-style: chr2-220500192-G-A.
Other names: c.2027G>A, p.Arg676Gln (NM_001326559.2, NM_201574.3); short protein forms R649Q, R676Q.
Identifiers: ClinVar variation 3895235 (VCV003895235.1), dbSNP rs1039170052.

ClinVar aggregate classification (germline): Likely benign (1 of 4 stars; one submission).

gnomAD v4.1: 35 of 1,613,028 alleles (0.0022%); highest among the groups gnomAD compares: Non-Finnish European, 0.0029%; no homozygotes.

Submission:

Molecular Diagnostic Laboratory for Inherited Cardiovascular Disease, Montreal Heart Institute
Classification: Likely benign. Last evaluated: 2025-04-09. Review status: criteria provided, single submitter. Criteria: ACMG Guidelines, 2015. Collection method: clinical testing. Allele origin: germline. Affected: no.
Comment: BP4